The following is an entry in ClinVar:

NM_001292034.3(TAB2):c.1172C>T (p.Ala391Val)

Genes: TAB2 (TGF-beta activated kinase 1 (MAP3K7) binding protein 2; plus strand), LOC126859827 (BRD4-independent group 4 enhancer GRCh37_chr6:149699707-149700906; plus strand). Cytogenetic location: 6q25.1.
Variant type: single nucleotide variant.
Coding change: c.1172C>T on transcript NM_001292034.3 (MANE Select); coding-DNA position 1172, C replaced by T.
Protein change: p.Ala391Val; replaces alanine 391 with valine.
Molecular consequence: missense variant.
Genome position (GRCh38, 1-based): chr6:149,379,087, C>T. VCF-style: chr6-149379087-C-T. GRCh37 (hg19) VCF-style: chr6-149700223-C-T.
Other names: c.1076C>T, p.Ala359Val (NM_001292035.3); c.1172C>T, p.Ala391Val (NM_001369506.1, NM_015093.6); short protein forms A359V, A391V.
Identifiers: ClinVar variation 3373642 (VCV003373642.1).

ClinVar aggregate classification (germline): Uncertain significance (1 of 4 stars; one submission).

gnomAD v4.1: 3 of 1,614,056 alleles (0.00019%); highest among the groups gnomAD compares: Admixed American, 0.0017%; no homozygotes.

Submission:

GeneDx
Classification: Uncertain significance. Last evaluated: 2024-03-05. Review status: criteria provided, single submitter. Criteria: GeneDx Variant Classification Process June 2021. Collection method: clinical testing. Allele origin: germline. Affected: yes.
Comment: Not observed at significant frequency in large population cohorts (gnomAD); In silico analysis supports that this missense variant does not alter protein structure/function; Has not been previously published as pathogenic or benign to our knowledge